The following is an entry in ClinVar:

NM_000517.6(HBA2):c.2T>C (p.Met1Thr)

Genes: HBA2 (hemoglobin subunit alpha 2; plus strand), LOC106804612 (hemoglobin subunit alpha 2 recombination region; plus strand). Cytogenetic location: 16p13.3.
Variant type: single nucleotide variant.
Coding change: c.2T>C on transcript NM_000517.6 (MANE Select); coding-DNA position 2, T replaced by C.
Protein change: p.Met1Thr; changes the start codon (methionine 1).
Molecular consequence: missense variant, initiator codon variant.
Genome position (GRCh38, 1-based): chr16:172,914, T>C. VCF-style: chr16-172914-T-C. GRCh37 (hg19) VCF-style: chr16-222913-T-C.
Other names: c.2T>C (NM_000517.5); short protein forms M1T.
Identifiers: ClinVar variation 15643 (VCV000015643.14), dbSNP rs111033603, ClinGen allele CA281645.

ClinVar aggregate classification (germline): Pathogenic. Review status: criteria provided, multiple submitters, no conflicts (2 of 4 stars). 5 submissions from 5 submitters: Pathogenic (3). 2 of the submissions do not count toward it. Last evaluated 2025-09-02.

Conditions:
alpha Thalassemia. Also called: Alpha thalassemia spectrum. Identifiers: Orphanet 846, MedGen C0002312, MONDO:0011399, OMIM 604131.

Allele frequency attached by ClinVar (database versions not stated): gnomAD exomes 0.00002.

Submissions (5):

Natera, Inc.
Classification: Pathogenic for Alpha thalassemia. Last evaluated: 2025-09-02. Review status: criteria provided, single submitter. Criteria: Natera Variant Classification Schema (03/2026). Collection method: clinical testing. Allele origin: germline.
Comment: The c.2T>C variant in HBA2 is predicted to result in start loss due to disruption of the initiator methionine. This variant is expected to result in nonsense mediated decay, truncation, or a dysfunctional protein product. This variant is rare in the general population with a frequency below the threshold expected for the associated phenotype(s). This variant has been observed in one or more individuals affected with the associated recessive disease, as either homozygous or compound heterozygous with a second variant (PMID: 26035111, 1414154). Given the available evidence, this variant is classified as Pathogenic.

ARUP Laboratories, Molecular Genetics and Genomics, ARUP Laboratories
Classification: Pathogenic. Last evaluated: 2024-09-30. Review status: criteria provided, single submitter. Criteria: ARUP Molecular Germline Variant Investigation Process 2024. Collection method: clinical testing. Allele origin: germline.
Comment: The HBA2 c.2T>C, p.Met1? variant, (also known as initiation codon (T->C), rs111033603, HbVar ID: 1061) has been reported in a heterozygous state in an individual with microcytic red blood cells (Ayala 1996), and with a double-gene deletion in a patient with HbH disease (Pirastu 1984). This variant is absent from the Genome Aggregation Database, indicating it is not a common polymorphism. The variant abolishes the canonical initiation codon of HBA2, and is predicted to result in an absent protein. Based on the above information, the variant is classified as pathogenic. References: Link to HbVar database: S et al. Ayala S et al. Nondeletional alpha-thalassemia: first description of alpha Hph alpha and alpha Nco alpha mutations in a Spanish population. Am J Hematol. 1996 Jul;52(3):144-9. PMID: 8756078. Pirastu M et al. Initiation codon mutation as a cause of alpha thalassemia. J Biol Chem. 1984 Oct 25;259(20):12315-7. PMID: 6490612.

Quest Diagnostics Nichols Institute San Juan Capistrano
Classification: Pathogenic. Last evaluated: 2024-06-14. Review status: criteria provided, single submitter. Criteria: Quest Diagnostics criteria. Collection method: clinical testing. Allele origin: unknown.
Comment: The HBA2 c.2T>C variant changes the normal translation start codon from ATG to ACG, leading to defective alpha-globin mRNA translation. This variant is associated with non-deletion alpha-thalassemia, with microcytic/hypochromic anemia reported in homozygotes (see HbVar, and PMID: 6490612 (1984), 8213764 (1993), 8756078 (1996)). Based on the available information, this variant is classified as pathogenic.

OMIM
Classification: Pathogenic for ALPHA-THALASSEMIA. Last evaluated: 1996-07-01. Review status: no assertion criteria provided. Collection method: literature only. Allele origin: germline. Not counted in ClinVar's aggregate classification.

GeneReviews
No classification provided. Condition: alpha Thalassemia. Review status: no classification provided. Collection method: literature only. Allele origin: germline. Not counted in ClinVar's aggregate classification.

Literature cited by the submitters: PubMed 26035111 (cited by Natera, Inc.); PubMed 1414154 (cited by Natera, Inc.); PubMed 6490612 (cited by Quest Diagnostics Nichols Institute San Juan Capistrano and OMIM); PubMed 8213764 (cited by Quest Diagnostics Nichols Institute San Juan Capistrano); PubMed 8756078 (cited by Quest Diagnostics Nichols Institute San Juan Capistrano and OMIM); NCBI Bookshelf NBK1435 (cited by GeneReviews).